The following is an entry in ClinVar:

ClinVar aggregate classification (germline): Uncertain significance (1 of 4 stars; one submission).

Conditions:
Epileptic encephalopathy. Identifiers: MedGen C0543888, HP:0200134.

Submission:

Labcorp Genetics (formerly Invitae), Labcorp
Classification: Uncertain significance for Epileptic encephalopathy. Last evaluated: 2024-10-13. Review status: criteria provided, single submitter. Criteria: Invitae Variant Classification Sherloc (09022015). Collection method: clinical testing. Allele origin: germline.
Comment: This variant, c.39_50del, results in the deletion of 4 amino acid(s) of the GABBR2 protein (p.Pro17_Pro20del), but otherwise preserves the integrity of the reading frame. The frequency data for this variant in the population databases is considered unreliable, as metrics indicate insufficient coverage at this position in the gnomAD database. This variant has not been reported in the literature in individuals affected with GABBR2-related conditions. Experimental studies and prediction algorithms are not available or were not evaluated, and the functional significance of this variant is currently unknown. In summary, the available evidence is currently insufficient to determine the role of this variant in disease. Therefore, it has been classified as a Variant of Uncertain Significance.

NM_005458.8(GABBR2):c.33GCC[2] (p.Pro17_Pro20del)

Gene: GABBR2 (gamma-aminobutyric acid type B receptor subunit 2; minus strand). Cytogenetic location: 9q22.33.
Variant type: Microsatellite.
Coding change: c.33GCC[2] on transcript NM_005458.8 (MANE Select); two copies in a row of the 3-base unit GCC starting at c.33; the reference has six copies in a row; four copies, 12 bases deleted.
Protein change: p.Pro17_Pro20del.
Genome position (GRCh38, 1-based): chr9:98,708,688-98,708,699, GGCGGCGGCGGC deleted on the plus strand (GCCGCCGCCGCC on the coding strand, the reverse complement: GABBR2 is on the minus strand); deleting any 12 consecutive bases within chr9:98,708,688-98,708,705 gives the same sequence; the position shown is the placement nearest the transcript's 3' end. VCF-style (leftmost placement, unchanged base first): chr9-98708687-TGGCGGCGGCGGC-T. GRCh37 (hg19) VCF-style: chr9-101470969-TGGCGGCGGCGGC-T.
Identifiers: ClinVar variation 3691769 (VCV003691769.2).
Genomic context (GRCh38, chr9:98,708,687, plus strand): 5'-GGGCGCCAGAGGCAGCAGCAGCGGCAGCAGCAGTAGCAGTAGCAGGCGCGCGGGCGGCGG[TGGCGGCGGCGGC>T]GGCGGCCCGGGCTGCCCGGAGCTCCGCGGGGAAGCCATGCCGCGCCGCGGGCTGCGGGCG-3'